The following is an entry in ClinVar:

ClinVar aggregate classification (germline): Conflicting classifications of pathogenicity. Review status: criteria provided, conflicting classifications (1 of 4 stars). 14 submissions from 14 submitters: Uncertain significance (8); Likely benign (3). 3 of the submissions do not count toward it. Last evaluated 2026-01-23.

Conditions:
CDH1-related disorder. Also called: CDH1-related condition.
Hereditary cancer-predisposing syndrome. Also called: Neoplastic Syndromes, Hereditary; Hereditary Cancer Syndrome; Tumor predisposition; Hereditary neoplastic syndrome. Identifiers: Orphanet 140162, MedGen C0027672, MeSH D009386, MONDO:0015356.
Ovarian cancer. Also called: OVARIAN CANCER, SOMATIC. Identifiers: Orphanet 213500, MedGen C1140680, MONDO:0008170, OMIM 167000.
Hereditary diffuse gastric adenocarcinoma (HDGC). Also called: DIFFUSE GASTRIC AND LOBULAR BREAST CANCER SYNDROME. Identifiers: Orphanet 26106, MedGen C1708349, MONDO:0007648, OMIM 137215.
Familial cancer of breast. Also called: BREAST CANCER, FAMILIAL; Hereditary breast cancer; hereditary breast carcinoma. Identifiers: Orphanet 227535, MedGen C0346153, MONDO:0016419, OMIM 114480. Disease mechanism: loss of function.

Allele frequency attached by ClinVar (database versions not stated): gnomAD exomes 0.00002 and 0.00001; gnomAD 0.00004; TOPMed 0.00002.
gnomAD v4.1: 28 of 1,613,964 alleles (0.0017%); highest among the groups gnomAD compares: Non-Finnish European, 0.0022%; no homozygotes.

Submissions (14):

Dasa
Classification: Uncertain significance. Last evaluated: 2026-01-23. Review status: criteria provided, single submitter. Criteria: DASA Assertion Criteria. Collection method: clinical testing. Allele origin: germline.
Comment: NM_004360.5(CDH1):c.2246G>A (p.Arg749Gln) is a missense variant that results in the substitution of arginine with glutamine. This variant is rare in population databases. Computational prediction algorithms are consistent with a deleterious effect. The currently available literature and clinical evidence are not sufficient to establish a definitive association between this variant and the reported condition. Therefore, this variant is classified as a variant of uncertain significance.

Labcorp Genetics (formerly Invitae), Labcorp
Classification: Likely benign for Hereditary diffuse gastric adenocarcinoma. Last evaluated: 2025-09-24. Review status: criteria provided, single submitter. Criteria: Invitae Variant Classification Sherloc (09022015). Collection method: clinical testing. Allele origin: germline.

Color Diagnostics, LLC DBA Color Health
Classification: Uncertain significance for Hereditary cancer-predisposing syndrome. Last evaluated: 2025-06-23. Review status: criteria provided, single submitter. Criteria: ACMG Guidelines, 2015. Collection method: clinical testing. Allele origin: germline.
Comment: This missense variant replaces arginine with glutamine at codon 749 of the CDH1 protein. To our knowledge, functional studies have not been reported for this variant. This variant has been reported in individuals affected with intestinal type gastric cancer (PMID: 32241597), breast cancer (PMID: 33471991), and in healthy individuals (PMID: 24728327, 33471991) in the literature. This variant has been identified in 10/282874 chromosomes in the general population by the Genome Aggregation Database (gnomAD). The available evidence is insufficient to determine the role of this variant in disease conclusively. Therefore, this variant is classified as a Variant of Uncertain Significance.

Women's Health and Genetics/Laboratory Corporation of America, LabCorp
Classification: Likely benign. Last evaluated: 2025-04-10. Review status: criteria provided, single submitter. Criteria: LabCorp Variant Classification Summary - May 2015. Collection method: clinical testing. Allele origin: germline.
Comment: Variant summary: CDH1 c.2246G>A (p.Arg749Gln) results in a conservative amino acid change in the encoded protein sequence. Four of five in-silico tools predict a damaging effect of the variant on protein function. The variant allele was found at a frequency of 1.7e-05 in 1613964 control chromosomes. This frequency is not significantly higher than estimated for a pathogenic variant in CDH1 causing Hereditary Diffuse Gastric Cancer (1.7e-05 vs 2.8e-05), allowing no conclusion about variant significance. c.2246G>A has been reported in the literature as a VUS in settings of multigene panel testing undergoing re-classification (example, Tsai_2019), as a VUS in individuals undergoing multigene panel testing for Gastric Cancer or BRCA1/BRCA2/PALB2 - negative breast cancer (example, Choi_2020, Larionov_2023). These report(s) do not provide unequivocal conclusions about association of the variant with CDH1-related Diffuse Gastric and Lobular Breast Cancer Syndrome (DGLBCS). However, at our laboratory, a significant overrepresentation of this variant has been observed among individuals not fulfilling the DGLBCS criteria, thereby meeting the Clingen CDH1 Variant Curation Expert Panel standalone criteria (BS2) for classification as Likely Benign (Internal Data, PMID 36600593). To our knowledge, no experimental evidence demonstrating an impact on protein function has been reported. The following publications have been ascertained in the context of this evaluation (PMID: 32241597, 36672364, 30374176). ClinVar contains an entry for this variant (Variation ID: 133849). Based on the evidence outlined above, the variant was classified as likely benign.

Quest Diagnostics Nichols Institute San Juan Capistrano
Classification: Uncertain significance. Last evaluated: 2025-03-07. Review status: criteria provided, single submitter. Criteria: Quest Diagnostics criteria. Collection method: clinical testing. Allele origin: unknown.
Comment: The CDH1 c.2246G>A (p.Arg749Gln) variant has been identified in individuals with breast cancer (PMID: 36672364 (2023), 33471991 (2021), see also LOVD) as well as in reportedly healthy individuals (PMID: 33471991 (2021), 24728327 (2014), see also LOVD). This variant has also been reported as a somatic variant in a sporadic diffuse gastric cancer sample (PMID: 28522256 (2017)). The frequency of this variant in the general population (Genome Aggregation Database) is uninformative in the assessment of its pathogenicity. Analysis of this variant using bioinformatics tools for the prediction of the effect of amino acid changes on protein structure and function yielded conflicting predictions that this variant is benign or damaging. Based on the available information, we are unable to determine the clinical significance of this variant.

GeneDx
Classification: Uncertain significance. Last evaluated: 2024-05-07. Review status: criteria provided, single submitter. Criteria: GeneDx Variant Classification Process June 2021. Collection method: clinical testing. Allele origin: germline. Affected: yes.
Comment: In silico analysis supports that this missense variant has a deleterious effect on protein structure/function; This variant is associated with the following publications: (PMID: 24728327, 17545690, 22850631, 15235021, 32241597, 33471991)

Department of Pathology and Laboratory Medicine, Sinai Health System
Classification: Uncertain significance for Ovarian cancer. Last evaluated: 2024-04-16. Review status: criteria provided, single submitter. Criteria: ACMG Guidelines, 2015. Collection method: clinical testing. Allele origin: germline. Affected: yes.

Baylor Genetics
Classification: Uncertain significance for Familial cancer of breast. Last evaluated: 2024-01-22. Review status: criteria provided, single submitter. Criteria: ACMG Guidelines, 2015. Collection method: clinical testing. Allele origin: unknown.

Myriad Genetics, Inc.
Classification: Uncertain significance for Hereditary diffuse gastric adenocarcinoma. Last evaluated: 2023-03-06. Review status: criteria provided, single submitter. Criteria: Myriad Autosomal Dominant, Autosomal Recessive and X-Linked Classification Criteria (2023). Collection method: clinical testing. Allele origin: unknown.
Comment: This variant is classified as a variant of uncertain significance as there is insufficient evidence to determine its impact on protein function and/or cancer risk.

Ambry Genetics
Classification: Likely benign for Hereditary cancer-predisposing syndrome. Last evaluated: 2021-11-15. Review status: criteria provided, single submitter. Criteria: Ambry Variant Classification Scheme 2023. Collection method: clinical testing. Allele origin: germline.

Sema4
Classification: Uncertain significance for Hereditary cancer-predisposing syndrome. Last evaluated: 2021-07-10. Review status: criteria provided, single submitter. Criteria: Sema4 Curation Guidelines. Collection method: curation. Allele origin: germline.
Comment: The CDH1 c.2246G>A (p.R749Q) variant has been reported in at least four individuals with breast cancer, but was also identified in a healthy control (PMID: 33471991). It was observed in 8/129182 chromosomes of the Non-Finnish European subpopulation in the large and broad cohorts of the Genome Aggregation Database (PMID: 32461654), and has been reported in ClinVar (Variation ID 133849). Functional studies have not been performed, and in silico predictions of the variant's effect on protein function are inconclusive. The evidence is insufficient to meet ACMG/AMP criteria for classifying the variant as benign or pathogenic. Thus, the clinical significance of this variant is currently uncertain.

PreventionGenetics, part of Exact Sciences
Classification: Uncertain significance for CDH1-related condition. Last evaluated: 2024-07-22. Review status: no assertion criteria provided. Collection method: clinical testing. Allele origin: germline. Not counted in ClinVar's aggregate classification.
Comment: The CDH1 c.2246G>A variant is predicted to result in the amino acid substitution p.Arg749Gln. This variant has been reported in the literature in individuals with gastric cancer (Choi S et al. 2020. PubMed ID: 32241597) and breast cancer (Breast Cancer Association Consortium et al. 2021. PubMed ID: 33471991). This variant is reported in 0.0062% of alleles in individuals of European (Non-Finnish) descent in gnomAD. This variant has conflicting interpretations in ClinVar from likely benign to uncertain significance. At this time, the clinical significance of this variant is uncertain due to the absence of conclusive functional and genetic evidence.

Counsyl
Classification: Uncertain significance for Hereditary diffuse gastric adenocarcinoma. Last evaluated: 2016-02-16. Review status: no assertion criteria provided. Collection method: clinical testing. Allele origin: unknown. Not counted in ClinVar's aggregate classification.

ITMI
No classification provided. Condition: AllHighlyPenetrant. Last evaluated: 2013-09-19. Review status: no classification provided. Collection method: reference population. Allele origin: germline. Not counted in ClinVar's aggregate classification.
Comment: Please see associated publication for description of ethnicities

Literature cited by the submitters: PubMed 24728327 (cited by 5 submitters); PubMed 32241597 (cited by 3 submitters); PubMed 33471991 (cited by 4 submitters); PubMed 30374176 (cited by Women's Health and Genetics/Laboratory Corporation of America, LabCorp); PubMed 36672364 (cited by Women's Health and Genetics/Laboratory Corporation of America, LabCorp and Quest Diagnostics Nichols Institute San Juan Capistrano); PubMed 28522256 (cited by Quest Diagnostics Nichols Institute San Juan Capistrano and Ambry Genetics); PubMed 17545690 (cited by Ambry Genetics).

NM_004360.5(CDH1):c.2246G>A (p.Arg749Gln)

Gene: CDH1 (cadherin 1; plus strand). Cytogenetic location: 16q22.1.
Variant type: single nucleotide variant.
Coding change: c.2246G>A on transcript NM_004360.5 (MANE Select); coding-DNA position 2246, G replaced by A.
Protein change: p.Arg749Gln; replaces arginine 749 with glutamine.
Molecular consequence: missense variant.
Genome position (GRCh38, 1-based): chr16:68,828,255, G>A. VCF-style: chr16-68828255-G-A. GRCh37 (hg19) VCF-style: chr16-68862158-G-A.
Other names: c.2246G>A (LRG_301t1); c.2063G>A, p.Arg688Gln (NM_001317184.2); c.698G>A, p.Arg233Gln (NM_001317185.2); c.281G>A, p.Arg94Gln (NM_001317186.2); short protein forms R749Q, R688Q, R233Q, R94Q.
Identifiers: ClinVar variation 133849 (VCV000133849.38), dbSNP rs530717933, ClinGen allele CA157960.